The following is an entry in ClinVar:

ClinVar aggregate classification (germline): Uncertain significance. Review status: criteria provided, multiple submitters, no conflicts (2 of 4 stars). 6 submissions from 6 submitters: Uncertain significance (6). Last evaluated 2026-06-18.

Conditions:
CCDC88C-related disorder. Also called: CCDC88C-Related Disorders; CCDC88C-related condition.
Inborn genetic diseases. Identifiers: MedGen C0950123, MeSH D030342.

Allele frequency attached by ClinVar (database versions not stated): ExAC 0.00033; gnomAD exomes 0.00037 and 0.00054; gnomAD 0.00040 and 0.00041; ESP Exome Variant Server 0.00047; TOPMed 0.00045.
gnomAD v4.1: 824 of 1,613,534 alleles (0.051%); highest among the groups gnomAD compares: Non-Finnish European, 0.065%; 1 homozygote.

Submissions (6):

Women's Health and Genetics/Laboratory Corporation of America, LabCorp
Classification: Uncertain significance. Last evaluated: 2026-06-18. Review status: criteria provided, single submitter. Criteria: LabCorp Variant Classification Summary - May 2015. Collection method: clinical testing. Allele origin: germline.
Comment: Variant summary: CCDC88C c.1715C>T (p.Ser572Leu) results in a non-conservative amino acid change in the encoded protein sequence. Algorithms developed to predict the effect of missense changes on protein structure and function are either unavailable or do not agree on the potential impact of this missense change. The variant allele was found at a frequency of 0.00037 in 248156 control chromosomes. This frequency is not significantly higher than estimated for disease-causing variants in CCDC88C, allowing no conclusion about variant significance. To our knowledge, no occurrence of c.1715C>T in individuals affected with CCDC88C-related conditions and no experimental evidence demonstrating its impact on protein function have been reported. ClinVar contains an entry for this variant (Variation ID: 447012). Based on the evidence outlined above, the variant was classified as uncertain significance.

Labcorp Genetics (formerly Invitae), Labcorp
Classification: Uncertain significance. Last evaluated: 2024-12-02. Review status: criteria provided, single submitter. Criteria: Invitae Variant Classification Sherloc (09022015). Collection method: clinical testing. Allele origin: germline.
Comment: This sequence change replaces serine, which is neutral and polar, with leucine, which is neutral and non-polar, at codon 572 of the CCDC88C protein (p.Ser572Leu). This variant is present in population databases (rs200999247, gnomAD 0.06%). This variant has not been reported in the literature in individuals affected with CCDC88C-related conditions. ClinVar contains an entry for this variant (Variation ID: 447012). An algorithm developed to predict the effect of missense changes on protein structure and function (PolyPhen-2) suggests that this variant is likely to be disruptive. In summary, the available evidence is currently insufficient to determine the role of this variant in disease. Therefore, it has been classified as a Variant of Uncertain Significance.

PreventionGenetics, part of Exact Sciences
Classification: Uncertain significance for CCDC88C-related condition. Last evaluated: 2024-11-04. Review status: criteria provided, single submitter. Criteria: ACMG Guidelines, 2015. Collection method: clinical testing. Allele origin: germline.
Comment: The CCDC88C c.1715C>T variant is predicted to result in the amino acid substitution p.Ser572Leu. This variant has been reported in a patient with schizencephaly and was considered not causative (Ekici et al. 2010. PubMed ID: 21031079). This variant is reported in 0.062% of alleles in individuals of European (Non-Finnish) descent in gnomAD. Although we suspect that this variant may be benign, the clinical significance of this variant is classified as uncertain at this time due to insufficient functional and genetic evidence.

Ambry Genetics
Classification: Uncertain significance for Inborn genetic diseases. Last evaluated: 2021-07-19. Review status: criteria provided, single submitter. Criteria: Ambry Variant Classification Scheme 2023. Collection method: clinical testing. Allele origin: germline.

Athena Diagnostics
Classification: Uncertain significance. Last evaluated: 2016-10-21. Review status: criteria provided, single submitter. Criteria: Athena Diagnostics Criteria. Collection method: clinical testing. Allele origin: germline.

CeGaT Center for Human Genetics Tuebingen
Classification: Uncertain significance. Last evaluated: 2016-07-01. Review status: criteria provided, single submitter. Criteria: CeGaT Center For Human Genetics Tuebingen Variant Classification Criteria Version 2. Collection method: clinical testing. Allele origin: germline. Affected: yes. Observed: 1 variant allele.

Literature cited by the submitters: PubMed 21031079 (cited by Athena Diagnostics).

NM_001080414.4(CCDC88C):c.1715C>T (p.Ser572Leu)

Gene: CCDC88C (coiled-coil and HOOK domain protein 88C; minus strand). Cytogenetic location: 14q32.11.
Variant type: single nucleotide variant.
Coding change: c.1715C>T on transcript NM_001080414.4 (MANE Select); coding-DNA position 1715, C replaced by T.
Protein change: p.Ser572Leu; replaces serine 572 with leucine.
Molecular consequence: missense variant.
Genome position (GRCh38, 1-based): chr14:91,314,101, G>A on the plus strand (C>T on the coding strand, the complement: CCDC88C is on the minus strand). VCF-style: chr14-91314101-G-A. GRCh37 (hg19) VCF-style: chr14-91780445-G-A.
Other names: c.1715C>T (NM_001080414.3); short protein forms S572L.
Identifiers: ClinVar variation 447012 (VCV000447012.48), dbSNP rs200999247, ClinGen allele CA7309831.